The following is an entry in ClinVar:

ClinVar aggregate classification (germline): Likely pathogenic (1 of 4 stars; one submission).

Conditions:
Anemia, nonspherocytic hemolytic, due to G6PD deficiency (CNSHA1). Also called: Hemolytic anemia due to G6PD deficiency; Class I glucose-6-phosphate dehydrogenase deficiency; Favism, susceptibility to; ANEMIA, CONGENITAL, NONSPHEROCYTIC HEMOLYTIC, 1. Identifiers: Orphanet 466026, MedGen C2720289, MONDO:0010480, OMIM 300908.

Submission:

Dunham Lab, University of Washington
Classification: Likely pathogenic for Anemia, nonspherocytic hemolytic, due to G6PD deficiency. Last evaluated: 2022-08-12. Review status: criteria provided, single submitter. Criteria: Bayesian ACMG Guidelines, 2018. Collection method: curation. Allele origin: unknown. Affected: yes.
Comment: Decreased activity in red blood cells (PS3). Not found in gnomAD (PM2). Alters same residue as pathogenic variants 361A>V (ClinVar ID 10410) (PM5). Post_P 0.988 (odds of pathogenicity 729.3, Prior_P 0.1).

Literature cited by the submitters: PubMed 9410474.

NM_001360016.2(G6PD):c.1081G>A (p.Ala361Thr)

Gene: G6PD (glucose-6-phosphate dehydrogenase; minus strand). Cytogenetic location: Xq28.
Variant type: single nucleotide variant.
Coding change: c.1081G>A on transcript NM_001360016.2 (MANE Select); coding-DNA position 1081, G replaced by A.
Protein change: p.Ala361Thr; replaces alanine 361 with threonine.
Molecular consequence: missense variant.
Genome position (GRCh38, 1-based): chrX:154,532,773, C>T on the plus strand (G>A on the coding strand, the complement: G6PD is on the minus strand). VCF-style: chrX-154532773-C-T. GRCh37 (hg19) VCF-style: chrX-153760988-C-T.
Other names: G6PD Iwatsuki; c.1171G>A, p.Ala391Thr (NM_000402.4); c.1081G>A, p.Ala361Thr (NM_001042351.3); short protein forms A361T, A391T.
Identifiers: ClinVar variation 1722610 (VCV001722610.2), dbSNP rs2148328996, ClinGen allele CA415234268.